The following is an entry in ClinVar:

NM_005216.5(DDOST):c.663G>A (p.Gly221=)

Gene: DDOST (dolichyl-diphosphooligosaccharide--protein glycosyltransferase non-catalytic subunit; minus strand). Cytogenetic location: 1p36.12.
Variant type: single nucleotide variant.
Coding change: c.663G>A on transcript NM_005216.5 (MANE Select); coding-DNA position 663, G replaced by A.
Protein change: p.Gly221=; no amino-acid change (glycine 221 retained).
Molecular consequence: synonymous variant.
Genome position (GRCh38, 1-based): chr1:20,654,354, C>T on the plus strand (G>A on the coding strand, the complement: DDOST is on the minus strand). VCF-style: chr1-20654354-C-T. GRCh37 (hg19) VCF-style: chr1-20980847-C-T.
Identifiers: ClinVar variation 295141 (VCV000295141.36), dbSNP rs41307775, ClinGen allele CA661148.
Genomic context (GRCh38, chr1:20,654,354, plus strand): 5'-GCTGAAGATGACGCGGGCATTGTTCCTGGCCTGGAGCCCAGCAATGAGGAGGGTGTTCTT[C>T]CCCACCGCATGTGGATACTGGGAACAAAACGAGGCTGTGACCCAAGCAGTTCCAAGTAAG-3'
Protein context (NP_005207.3, residues 211-231): KPITQYPHAV[Gly221=]KNTLLIAGLQ

ClinVar aggregate classification (germline): Benign. Review status: criteria provided, multiple submitters, no conflicts (2 of 4 stars). 4 submissions from 4 submitters: Benign (4). Last evaluated 2026-09-01.

Conditions:
Congenital disorder of glycosylation type Ir (CDG1R). Also called: DDOST-congenital disorder of glycosylation. Identifiers: Orphanet 300536, MedGen C3281084, MONDO:0013789, OMIM 614507.

Allele frequency attached by ClinVar (database versions not stated): 1000 Genomes Project 30x 0.00250; 1000 Genomes Project 0.00260; TOPMed 0.00467; ESP Exome Variant Server 0.00563; gnomAD exomes 0.00592; gnomAD 0.00602 and 0.00625; ExAC 0.00670.

Submissions (4):

CeGaT Center for Human Genetics Tuebingen
Classification: Benign. Last evaluated: 2026-09-01. Review status: criteria provided, single submitter. Criteria: CeGaT Center For Human Genetics Tuebingen Variant Classification Criteria Version 2. Collection method: clinical testing. Allele origin: germline. Affected: yes. Observed: 7 variant alleles.
Comment: DDOST: BP4, BP7, BS1, BS2

Labcorp Genetics (formerly Invitae), Labcorp
Classification: Benign for Congenital disorder of glycosylation type Ir. Last evaluated: 2026-01-16. Review status: criteria provided, single submitter. Criteria: Invitae Variant Classification Sherloc (09022015). Collection method: clinical testing. Allele origin: germline.

GeneDx
Classification: Benign. Last evaluated: 2016-04-19. Review status: criteria provided, single submitter. Criteria: GeneDx Variant Classification (06012015). Collection method: clinical testing. Allele origin: germline. Affected: yes.
Comment: This variant is considered likely benign or benign based on one or more of the following criteria: it is a conservative change, it occurs at a poorly conserved position in the protein, it is predicted to be benign by multiple in silico algorithms, and/or has population frequency not consistent with disease.

Breakthrough Genomics
Classification: Benign. Review status: criteria provided, single submitter. Criteria: ACMG Guidelines, 2015. Collection method: not provided. Allele origin: germline. Inheritance: Autosomal recessive inheritance. Affected: yes.